The following is an entry in ClinVar:

ClinVar aggregate classification (germline): Pathogenic (0 of 4 stars; one submission).

Conditions:
Childhood apraxia of speech (SPCH1). Also called: Speech language disorder; DEVELOPMENTAL VERBAL DYSPRAXIA; SPEECH AND LANGUAGE DISORDER WITH OROFACIAL DYSPRAXIA; FOXP2-Related Speech and Language Disorder. Identifiers: Orphanet 209908, MedGen C0750927, MONDO:0011184, OMIM 602081.

Submission:

GeneReviews
Classification: Pathogenic for Childhood apraxia of speech. Last evaluated: 2016-03-02. Review status: no assertion criteria provided. Collection method: literature only. Allele origin: germline. Affected: yes. Observed: 1 variant allele.
Comment: Speech: CAS Oromotor: Oromotor difficulties Language: Impaired expressive & receptive Cognition: Cognitive impairment Other: ASD

Literature cited by the submitters: PubMed 17033973.

7q31.1-q31.3, 11 Mb deletion

Gene: FOXP2 (forkhead box P2; plus strand). Cytogenetic location: 7q31.1.
Variant type: Deletion.
Identifiers: ClinVar variation 242963 (VCV000242963.1).